The following is an entry in ClinVar:

NM_001447.3(FAT2):c.7709C>T (p.Thr2570Met)

Genes: FAT2 (FAT atypical cadherin 2; minus strand), SLC36A1 (solute carrier family 36 member 1; plus strand). Cytogenetic location: 5q33.1.
Variant type: single nucleotide variant.
Coding change: c.7709C>T on transcript NM_001447.3 (MANE Select); coding-DNA position 7709, C replaced by T.
Protein change: p.Thr2570Met; replaces threonine 2570 with methionine.
Molecular consequence: missense variant.
Genome position (GRCh38, 1-based): chr5:151,543,418, G>A on the plus strand (C>T on the coding strand, the complement: FAT2 is on the minus strand). VCF-style: chr5-151543418-G-A. GRCh37 (hg19) VCF-style: chr5-150922979-G-A.
Other names: short protein forms T2570M.
Identifiers: ClinVar variation 2900249 (VCV002900249.3), dbSNP rs560174924, ClinGen allele CA3520913.

ClinVar aggregate classification (germline): Uncertain significance (1 of 4 stars; one submission).

Allele frequency attached by ClinVar (database versions not stated): gnomAD 0.00001; gnomAD exomes 0.00001; ExAC 0.00002; 1000 Genomes Project 0.00040; 1000 Genomes Project 30x 0.00047.
gnomAD v4.1: 13 of 1,614,050 alleles (0.00081%); highest among the groups gnomAD compares: Middle Eastern, 0.016%; no homozygotes.

Submission:

Labcorp Genetics (formerly Invitae), Labcorp
Classification: Uncertain significance. Last evaluated: 2022-12-18. Review status: criteria provided, single submitter. Criteria: Invitae Variant Classification Sherloc (09022015). Collection method: clinical testing. Allele origin: germline.
Comment: This variant is present in population databases (rs560174924, gnomAD 0.007%). This variant has not been reported in the literature in individuals affected with FAT2-related conditions. Algorithms developed to predict the effect of missense changes on protein structure and function are either unavailable or do not agree on the potential impact of this missense change (SIFT: "Deleterious"; PolyPhen-2: "Possibly Damaging"; Align-GVGD: "Class C15"). In summary, the available evidence is currently insufficient to determine the role of this variant in disease. Therefore, it has been classified as a Variant of Uncertain Significance. This sequence change replaces threonine, which is neutral and polar, with methionine, which is neutral and non-polar, at codon 2570 of the FAT2 protein (p.Thr2570Met).